The following is an entry in ClinVar:

ClinVar aggregate classification (germline): Likely benign. Review status: criteria provided, single submitter (1 of 4 stars). 2 submissions from 2 submitters: Likely benign (1). 1 of the submissions does not count toward it. Last evaluated 2024-10-24.

Conditions:
MUSK-related disorder. Also called: MUSK-related condition; MUSK-related disorders.
Fetal akinesia deformation sequence 1 (FADS1). Also called: Fetal akinesia sequence; Pena-Shokeir syndrome type I. Identifiers: Orphanet 994, MedGen C1276035, MONDO:0100101, OMIM 208150, HP:0001989.
Congenital myasthenic syndrome 9. Also called: Myasthenic syndrome, congenital, 9, associated with acetylcholine receptor deficiency. Identifiers: Orphanet 590, MedGen C4225368, MONDO:0014587, OMIM 616325.

gnomAD v4.1: 72 of 1,610,164 alleles (0.0045%); highest among the groups gnomAD compares: Non-Finnish European, 0.006%; no homozygotes.

Submissions (2):

Labcorp Genetics (formerly Invitae), Labcorp
Classification: Likely benign for Congenital myasthenic syndrome 9; Fetal akinesia deformation sequence 1. Last evaluated: 2024-10-24. Review status: criteria provided, single submitter. Criteria: Invitae Variant Classification Sherloc (09022015). Collection method: clinical testing. Allele origin: germline.

PreventionGenetics, part of Exact Sciences
Classification: Likely benign for MUSK-related condition. Last evaluated: 2022-02-03. Review status: no assertion criteria provided. Collection method: clinical testing. Allele origin: germline. Not counted in ClinVar's aggregate classification.
Comment: This variant is classified as likely benign based on ACMG/AMP sequence variant interpretation guidelines (Richards et al. 2015 PMID: 25741868, with internal and published modifications).

NM_005592.4(MUSK):c.1401G>T (p.Thr467=)

Gene: MUSK (muscle associated receptor tyrosine kinase; plus strand). Cytogenetic location: 9q31.3.
Variant type: single nucleotide variant.
Coding change: c.1401G>T on transcript NM_005592.4 (MANE Select); coding-DNA position 1401, G replaced by T.
Protein change: p.Thr467=; no amino-acid change (threonine 467 retained).
Molecular consequence: synonymous variant.
Genome position (GRCh38, 1-based): chr9:110,784,831, G>T. VCF-style: chr9-110784831-G-T. GRCh37 (hg19) VCF-style: chr9-113547111-G-T.
Other names: c.1143G>T, p.Thr381= (NM_001166280.2); c.1113G>T, p.Thr371= (NM_001166281.2); c.141G>T, p.Thr47= (NM_001369398.1); c.1401G>T (NM_005592.3).
Identifiers: ClinVar variation 1146008 (VCV001146008.11), dbSNP rs761610023, ClinGen allele CA5184368.